The following is an entry in ClinVar:

ClinVar aggregate classification (germline): Uncertain significance (1 of 4 stars; one submission).

Submission:

GeneDx
Classification: Uncertain significance. Last evaluated: 2024-10-10. Review status: criteria provided, single submitter. Criteria: GeneDx Variant Classification Process June 2021. Collection method: clinical testing. Allele origin: germline. Affected: yes.
Comment: Not observed at significant frequency in large population cohorts (gnomAD); In silico analysis indicates that this missense variant does not alter protein structure/function; Has not been previously published as pathogenic or benign to our knowledge; In silico analysis is inconclusive as to whether the variant alters gene splicing. In the absence of RNA/functional studies, the actual effect of this sequence change is unknown.

NM_015631.6(TCTN3):c.895G>C (p.Val299Leu)

Gene: TCTN3 (tectonic family member 3; minus strand). Cytogenetic location: 10q24.1.
Variant type: single nucleotide variant.
Coding change: c.895G>C on transcript NM_015631.6 (MANE Select); coding-DNA position 895, G replaced by C.
Protein change: p.Val299Leu; replaces valine 299 with leucine.
Molecular consequence: missense variant. On other transcripts: intron variant (2).
Genome position (GRCh38, 1-based): chr10:95,685,630, C>G on the plus strand (G>C on the coding strand, the complement: TCTN3 is on the minus strand). VCF-style: chr10-95685630-C-G. GRCh37 (hg19) VCF-style: chr10-97445387-C-G.
Other names: c.651+865G>C (NM_001143973.2); c.888+865G>C (NM_001410982.1); short protein forms V299L.
Identifiers: ClinVar variation 3777533 (VCV003777533.1).